The following is an entry in ClinVar:

NM_020987.5(ANK3):c.9115G>A (p.Glu3039Lys)

Gene: ANK3 (ankyrin 3; minus strand). Cytogenetic location: 10q21.2.
Variant type: single nucleotide variant.
Coding change: c.9115G>A on transcript NM_020987.5 (MANE Select); coding-DNA position 9115, G replaced by A.
Protein change: p.Glu3039Lys; replaces glutamic acid 3039 with lysine.
Molecular consequence: missense variant. On other transcripts: intron variant (4).
Genome position (GRCh38, 1-based): chr10:60,071,766, C>T on the plus strand (G>A on the coding strand, the complement: ANK3 is on the minus strand). VCF-style: chr10-60071766-C-T. GRCh37 (hg19) VCF-style: chr10-61831524-C-T.
Other names: c.4388-3757G>A (NM_001204403.2); c.4409-3757G>A (NM_001204404.2); c.4406-3757G>A (NM_001320874.2); c.1808-3757G>A (NM_001149.4); short protein forms E3039K.
Identifiers: ClinVar variation 2073094 (VCV002073094.4), dbSNP rs777012359, ClinGen allele CA207324453.

ClinVar aggregate classification (germline): Uncertain significance (1 of 4 stars; one submission).

Allele frequency attached by ClinVar (database versions not stated): gnomAD exomes 0.00001; TOPMed 0.00001.
gnomAD v4.1: 8 of 1,599,290 alleles (0.0005%); highest among the groups gnomAD compares: East Asian, 0.0022%; no homozygotes.

Submission:

Labcorp Genetics (formerly Invitae), Labcorp
Classification: Uncertain significance. Last evaluated: 2022-08-05. Review status: criteria provided, single submitter. Criteria: Invitae Variant Classification Sherloc (09022015). Collection method: clinical testing. Allele origin: germline.
Comment: In summary, the available evidence is currently insufficient to determine the role of this variant in disease. Therefore, it has been classified as a Variant of Uncertain Significance. Algorithms developed to predict the effect of missense changes on protein structure and function are either unavailable or do not agree on the potential impact of this missense change (SIFT: "Not Available"; PolyPhen-2: "Benign"; Align-GVGD: "Not Available"). This variant has not been reported in the literature in individuals affected with ANK3-related conditions. This variant is present in population databases (rs777012359, gnomAD 0.004%). This sequence change replaces glutamic acid, which is acidic and polar, with lysine, which is basic and polar, at codon 3039 of the ANK3 protein (p.Glu3039Lys).